The following is an entry in ClinVar:

NM_000080.4(CHRNE):c.1164del (p.Lys388fs)

Genes: CHRNE (cholinergic receptor nicotinic epsilon subunit; minus strand), LOC130060040 (ATAC-STARR-seq lymphoblastoid silent region 8049; plus strand). Cytogenetic location: 17p13.2.
Variant type: Deletion.
Coding change: c.1164del on transcript NM_000080.4 (MANE Select); coding-DNA position 1164, one base deleted (G; older notation c.1164delG).
Protein change: p.Lys388fs; shifts the reading frame from lysine 388.
Molecular consequence: frameshift variant.
Genome position (GRCh38, 1-based): chr17:4,899,253, C deleted on the plus strand (G on the coding strand, the reverse complement: CHRNE is on the minus strand). VCF-style (leftmost placement, unchanged base first): chr17-4899252-GC-G. GRCh37 (hg19) VCF-style: chr17-4802547-GC-G.
Other names: short protein forms K388fs.
Identifiers: ClinVar variation 1070299 (VCV001070299.8), dbSNP rs1222065184, ClinGen allele CA624855852.
Genomic context (GRCh38, chr17:4,899,252, plus strand): 5'-GCTCACCCGTCCAGGTCCCCTGCCGGTGCCTCTGCCCCTCAAACACGAGCTCGCTCCGTG[GC>G]TTTTTCAGTATCAGCTCCTCCGCGCGGAGCAATAAGCCCACCGACGACGCCCGCCTTGGG-3'

ClinVar aggregate classification (germline): Pathogenic/Likely pathogenic. Review status: criteria provided, multiple submitters, no conflicts (2 of 4 stars). 2 submissions from 2 submitters: Pathogenic (1); Likely pathogenic (1). Last evaluated 2025-10-19.

Conditions:
Congenital myasthenic syndrome 4A. Also called: Myasthenic syndrome, congenital, 4a, slow-channel; CONGENITAL MYASTHENIC SYNDROME TYPE Ia1; MYASTHENIC SYNDROME, CONGENITAL, 4A, SLOW-CHANNEL, AUTOSOMAL RECESSIVE. Identifiers: Orphanet 590, MedGen C4225413, MONDO:0011600, OMIM 605809.

Allele frequency attached by ClinVar (database versions not stated): gnomAD exomes below 0.00001 and 0.00001; gnomAD 0.00001; TOPMed 0.00002.

Submissions (2):

Labcorp Genetics (formerly Invitae), Labcorp
Classification: Pathogenic for Congenital myasthenic syndrome 4A. Last evaluated: 2025-10-19. Review status: criteria provided, single submitter. Criteria: Invitae Variant Classification Sherloc (09022015). Collection method: clinical testing. Allele origin: germline.
Comment: This sequence change creates a premature translational stop signal (p.Lys388Asnfs*40) in the CHRNE gene. It is expected to result in an absent or disrupted protein product. Loss-of-function variants in CHRNE are known to be pathogenic (PMID: 22678886). This variant is present in population databases (no rsID available, gnomAD 0.002%). This variant has not been reported in the literature in individuals affected with CHRNE-related conditions. This variant is also known as p.Tyr458*. ClinVar contains an entry for this variant (Variation ID: 1070299). For these reasons, this variant has been classified as Pathogenic.

Baylor Genetics
Classification: Likely pathogenic for Congenital myasthenic syndrome 4A. Last evaluated: 2023-09-14. Review status: criteria provided, single submitter. Criteria: ACMG Guidelines, 2015. Collection method: clinical testing. Allele origin: unknown.

Literature cited by the submitters: PubMed 22678886 (cited by Labcorp Genetics (formerly Invitae), Labcorp).